The following is an entry in ClinVar:

ClinVar aggregate classification (germline): Uncertain significance (1 of 4 stars; one submission).

Conditions:
Peroxisome biogenesis disorder. Identifiers: Orphanet 79189, MedGen C1832200, MONDO:0019234. Disease mechanism: loss of function.

Allele frequency attached by ClinVar (database versions not stated): TOPMed below 0.00001.

Submission:

Labcorp Genetics (formerly Invitae), Labcorp
Classification: Uncertain significance for Peroxisome biogenesis disorder. Last evaluated: 2021-12-24. Review status: criteria provided, single submitter. Criteria: Invitae Variant Classification Sherloc (09022015). Collection method: clinical testing. Allele origin: germline.
Comment: This sequence change replaces glycine, which is neutral and non-polar, with glycine, which is neutral and non-polar, at codon 220 of the PEX6 protein (Silent). This variant is not present in population databases (gnomAD no frequency). This variant has not been reported in the literature in individuals affected with PEX6-related conditions. Algorithms developed to predict the effect of sequence changes on RNA splicing suggest that this variant may create or strengthen a splice site. In summary, the available evidence is currently insufficient to determine the role of this variant in disease. Therefore, it has been classified as a Variant of Uncertain Significance.

NM_000287.4(PEX6):c.660C>T (p.Gly220=)

Gene: PEX6 (peroxisomal biogenesis factor 6; minus strand). Cytogenetic location: 6p21.1.
Variant type: single nucleotide variant.
Coding change: c.660C>T on transcript NM_000287.4 (MANE Select); coding-DNA position 660, C replaced by T.
Protein change: p.Gly220=; no amino-acid change (glycine 220 retained).
Molecular consequence: synonymous variant. On other transcripts: non-coding transcript variant (1), intron variant (1).
Genome position (GRCh38, 1-based): chr6:42,978,491, G>A on the plus strand (C>T on the coding strand, the complement: PEX6 is on the minus strand). VCF-style: chr6-42978491-G-A. GRCh37 (hg19) VCF-style: chr6-42946229-G-A.
Other names: c.618+42C>T (NM_001316313.2).
Identifiers: ClinVar variation 1913702 (VCV001913702.2), dbSNP rs996888234, ClinGen allele CA138237875.